The following is an entry in ClinVar:

ClinVar aggregate classification (germline): Uncertain significance (1 of 4 stars; one submission).

Conditions:
Cardiovascular phenotype. Identifiers: MedGen CN230736.

gnomAD v4.1: 1 of 1,614,190 alleles (0.000062%); highest among the groups gnomAD compares: South Asian, 0.0011%; no homozygotes.

Submission:

Ambry Genetics
Classification: Uncertain significance for Cardiovascular phenotype. Last evaluated: 2025-12-19. Review status: criteria provided, single submitter. Criteria: Ambry Variant Classification Scheme 2023. Collection method: clinical testing. Allele origin: germline.
Comment: The p.E1192D variant (also known as c.3576G>C), located in coding exon 17 of the MYPN gene, results from a G to C substitution at nucleotide position 3576. The glutamic acid at codon 1192 is replaced by aspartic acid, an amino acid with highly similar properties. This amino acid position is conserved. In addition, the in silico prediction for this alteration is inconclusive. Based on the available evidence, the clinical significance of this variant remains unclear.

NM_032578.4(MYPN):c.3576G>C (p.Glu1192Asp)

Gene: MYPN (myopalladin; plus strand). Cytogenetic location: 10q21.3.
Variant type: single nucleotide variant.
Coding change: c.3576G>C on transcript NM_032578.4 (MANE Select); coding-DNA position 3576, G replaced by C.
Protein change: p.Glu1192Asp; replaces glutamic acid 1192 with aspartic acid.
Molecular consequence: missense variant. On other transcripts: non-coding transcript variant (2).
Genome position (GRCh38, 1-based): chr10:68,201,911, G>C. VCF-style: chr10-68201911-G-C. GRCh37 (hg19) VCF-style: chr10-69961668-G-C.
Other names: c.3576G>C, p.Glu1192Asp (NM_001256267.2); c.2694G>C, p.Glu898Asp (NM_001256268.2); short protein forms E1192D, E898D.
Identifiers: ClinVar variation 4841979 (VCV004841979.1).